The following is an entry in ClinVar:

NM_002878.4(RAD51D):c.264-19del

Genes: RAD51L3-RFFL (RAD51L3-RFFL readthrough; minus strand), RAD51D (RAD51 paralog D; minus strand). Cytogenetic location: 17q12.
Variant type: Deletion.
Coding change: c.264-19del on transcript NM_002878.4 (MANE Select); 19 bases into the intron before coding-DNA position 264, one base deleted (T; older notation c.264-19delT).
Molecular consequence: intron variant.
Genome position (GRCh38, 1-based): chr17:35,107,466, A deleted on the plus strand (T on the coding strand, the reverse complement: RAD51D is on the minus strand); the first of 4 consecutive A bases (chr17:35,107,466-35,107,469); deleting any one gives the same sequence. VCF-style (leftmost placement, unchanged base first): chr17-35107465-GA-G. GRCh37 (hg19) VCF-style: chr17-33434484-GA-G.
Other names: c.145-985del (NM_133629.3); c.324-19del (NM_001142571.2).
Identifiers: ClinVar variation 3904499 (VCV003904499.1).

ClinVar aggregate classification (germline): Benign (1 of 4 stars; one submission).

Conditions:
Breast-ovarian cancer, familial, susceptibility to, 4. Identifiers: Orphanet 145, MedGen C3280345, MONDO:0013669, OMIM 614291.

Submission:

Myriad Genetics, Inc.
Classification: Benign for Breast-ovarian cancer, familial, susceptibility to, 4. Last evaluated: 2025-02-20. Review status: criteria provided, single submitter. Criteria: Myriad Autosomal Dominant, Autosomal Recessive and X-Linked Classification Criteria (2023). Collection method: clinical testing. Allele origin: unknown.
Comment: This variant is considered benign. This variant is intronic and is not expected to impact mRNA splicing.